The following is an entry in ClinVar:

ClinVar aggregate classification (germline): Uncertain significance. Review status: criteria provided, multiple submitters, no conflicts (2 of 4 stars). 4 submissions from 4 submitters: Uncertain significance (4). Last evaluated 2025-07-11.

Conditions:
Cardiovascular phenotype. Identifiers: MedGen CN230736.
Arrhythmogenic right ventricular dysplasia 9 (ARVD9). Also called: ARRHYTHMOGENIC RIGHT VENTRICULAR DYSPLASIA, FAMILIAL, 9; Arrhythmogenic Right Ventricular Dysplasia/Cardiomyopathy 9. Identifiers: MedGen C1836906, MONDO:0012180, OMIM 609040.
Cardiomyopathy (CMYO). Also called: Cardiomyopathies. Identifiers: Orphanet 167848, MedGen C0878544, MONDO:0004994, HP:0001638. Inheritance: Various modes of inheritance.
Arrhythmogenic right ventricular cardiomyopathy (ARVD). Also called: Arrhythmogenic right ventricular dysplasia; Cardiomyopathy, ARVC; Arrhythmogenic cardiomyopathy; Arrhythmogenic Right Ventricular Cardiomyopathy (ARVC). Identifiers: Orphanet 247, MedGen C0349788, MeSH D019571, MONDO:0016587. Disease mechanism: loss of function. Inheritance: Various modes of inheritance.

Submissions (4):

Labcorp Genetics (formerly Invitae), Labcorp
Classification: Uncertain significance for Arrhythmogenic right ventricular dysplasia 9. Last evaluated: 2025-07-11. Review status: criteria provided, single submitter. Criteria: Invitae Variant Classification Sherloc (09022015). Collection method: clinical testing. Allele origin: germline.
Comment: This sequence change replaces glycine, which is neutral and non-polar, with aspartic acid, which is acidic and polar, at codon 488 of the PKP2 protein (p.Gly488Asp). This variant is present in population databases (no rsID available, gnomAD no frequency). This variant has not been reported in the literature in individuals affected with PKP2-related conditions. ClinVar contains an entry for this variant (Variation ID: 3307100). An algorithm developed to predict the effect of missense changes on protein structure and function (PolyPhen-2) suggests that this variant is likely to be tolerated. In summary, the available evidence is currently insufficient to determine the role of this variant in disease. Therefore, it has been classified as a Variant of Uncertain Significance.

All of Us Research Program, National Institutes of Health
Classification: Uncertain significance for Arrhythmogenic right ventricular cardiomyopathy. Last evaluated: 2024-07-10. Review status: criteria provided, single submitter. Criteria: ACMG Guidelines, 2015. Collection method: clinical testing. Allele origin: germline. Inheritance: Autosomal dominant inheritance. Observed: 1 variant allele, 1 heterozygote.
Comment: This missense variant replaces glycine with aspartic acid at codon 488 of the PKP2 protein. Computational prediction suggests that this variant may not impact protein structure and function (internally defined REVEL score threshold <= 0.5, PMID: 27666373). To our knowledge, functional studies have not been reported for this variant. This variant has not been reported in individuals affected with PKP2-related disorders in the literature. This variant has been identified in 1/31380 chromosomes in the general population by the Genome Aggregation Database (gnomAD). The available evidence is insufficient to determine the role of this variant in disease conclusively. Therefore, this variant is classified as a Variant of Uncertain Significance.

This study involves interpretation of variants in research participants for the purpose of population health screening. Participant phenotype was not available at the time of variant classification. Additional details can be found in publication PMID: 35346344, PMCID: PMC8962531

Color Diagnostics, LLC DBA Color Health
Classification: Uncertain significance for Cardiomyopathy. Last evaluated: 2024-05-23. Review status: criteria provided, single submitter. Criteria: ACMG Guidelines, 2015. Collection method: clinical testing. Allele origin: germline.
Comment: This missense variant replaces glycine with aspartic acid at codon 488 of the PKP2 protein. Computational prediction suggests that this variant may not impact protein structure and function (internally defined REVEL score threshold <= 0.5, PMID: 27666373). To our knowledge, functional studies have not been reported for this variant. This variant has not been reported in individuals affected with PKP2-related disorders in the literature. This variant has been identified in 1/31380 chromosomes in the general population by the Genome Aggregation Database (gnomAD). The available evidence is insufficient to determine the role of this variant in disease conclusively. Therefore, this variant is classified as a Variant of Uncertain Significance.

Ambry Genetics
Classification: Uncertain significance for Cardiovascular phenotype. Last evaluated: 2024-05-22. Review status: criteria provided, single submitter. Criteria: Ambry Variant Classification Scheme 2023. Collection method: clinical testing. Allele origin: germline.
Comment: The p.G488D variant (also known as c.1463G>A), located in coding exon 6 of the PKP2 gene, results from a G to A substitution at nucleotide position 1463. The glycine at codon 488 is replaced by aspartic acid, an amino acid with similar properties. This amino acid position is conserved. In addition, this alteration is predicted to be tolerated by in silico analysis. Based on the available evidence, the clinical significance of this variant remains unclear.

NM_001005242.3(PKP2):c.1379-2024G>A

Gene: PKP2 (plakophilin 2; minus strand). Cytogenetic location: 12p11.21.
Variant type: single nucleotide variant.
Coding change: c.1379-2024G>A on transcript NM_001005242.3 (MANE Select); 2024 bases into the intron before coding-DNA position 1379, G replaced by A.
Molecular consequence: intron variant. On other transcripts: missense variant (2).
Genome position (GRCh38, 1-based): chr12:32,843,229, C>T on the plus strand (G>A on the coding strand, the complement: PKP2 is on the minus strand). VCF-style: chr12-32843229-C-T. GRCh37 (hg19) VCF-style: chr12-32996163-C-T.
Other names: c.1463G>A, p.Gly488Asp (NM_001407157.1, NM_004572.4); c.1379-2024G>A (NM_001407156.1, NM_001407155.1, NM_001407161.1); c.1052-2024G>A (NM_001407160.1, NM_001407159.1, NM_001407158.1 and 1 more transcripts); short protein forms G488D.
Identifiers: ClinVar variation 3307100 (VCV003307100.5).
Genomic context (GRCh38, chr12:32,843,229, plus strand): 5'-ACAGGGGTCTCACCATGTTGGTCAGGCTGGTCTCGAACTCCTGACCTCGTGATCCGCCCG[C>T]CTTGGCCTCCCAAAGTGCTGGGATTACAGGCGTGAGCCACCGCGCCCGGCCAGCCATTCC-3'